The following is an entry in ClinVar:

ClinVar aggregate classification (germline): Likely benign. Review status: criteria provided, multiple submitters, no conflicts (2 of 4 stars). 4 submissions from 4 submitters: Likely benign (4). Last evaluated 2025-08-18.

Conditions:
Cardiovascular phenotype. Identifiers: MedGen CN230736.
Catecholaminergic polymorphic ventricular tachycardia (CVPT). Also called: Catecholamine-induced polymorphic ventricular tachycardia. Identifiers: Orphanet 3286, MedGen C5574922, MONDO:0017990.
Catecholaminergic polymorphic ventricular tachycardia 1. Also called: RYR2-Related Catecholaminergic Polymorphic Ventricular Tachycardia; VENTRICULAR TACHYCARDIA, CATECHOLAMINERGIC POLYMORPHIC, 1, WITH OR WITHOUT ATRIAL DYSFUNCTION AND/OR DILATED CARDIOMYOPATHY; VENTRICULAR TACHYCARDIA, STRESS-INDUCED POLYMORPHIC 1. Identifiers: Orphanet 3286, MedGen C1631597, MONDO:0011484, OMIM 604772.
Cardiomyopathy (CMYO). Also called: Cardiomyopathies. Identifiers: Orphanet 167848, MedGen C0878544, MONDO:0004994, HP:0001638. Inheritance: Various modes of inheritance.

Allele frequency attached by ClinVar (database versions not stated): gnomAD 0.00001; gnomAD exomes 0.00001; TOPMed 0.00002.
gnomAD v4.1: 9 of 1,613,886 alleles (0.00056%); highest among the groups gnomAD compares: African/African-American, 0.004%; no homozygotes.

Submissions (4):

Labcorp Genetics (formerly Invitae), Labcorp
Classification: Likely benign for Catecholaminergic polymorphic ventricular tachycardia 1. Last evaluated: 2025-08-18. Review status: criteria provided, single submitter. Criteria: Invitae Variant Classification Sherloc (09022015). Collection method: clinical testing. Allele origin: germline.

All of Us Research Program, National Institutes of Health
Classification: Likely benign for Catecholaminergic polymorphic ventricular tachycardia. Last evaluated: 2023-10-06. Review status: criteria provided, single submitter. Criteria: ACMG Guidelines, 2015. Collection method: clinical testing. Allele origin: germline. Inheritance: Autosomal dominant inheritance. Observed: 1 variant allele, 1 heterozygote.
Comment: This study involves interpretation of variants in research participants for the purpose of population health screening. Participant phenotype was not available at the time of variant classification. Additional details can be found in publication PMID: 35346344, PMCID: PMC8962531

Color Diagnostics, LLC DBA Color Health
Classification: Likely benign for Cardiomyopathy. Last evaluated: 2022-11-06. Review status: criteria provided, single submitter. Criteria: ACMG Guidelines, 2015. Collection method: clinical testing. Allele origin: germline.

Ambry Genetics
Classification: Likely benign for Cardiovascular phenotype. Last evaluated: 2020-09-15. Review status: criteria provided, single submitter. Criteria: Ambry Variant Classification Scheme 2023. Collection method: clinical testing. Allele origin: germline.

NM_001035.3(RYR2):c.5598A>G (p.Lys1866=)

Gene: RYR2 (ryanodine receptor 2; plus strand). Cytogenetic location: 1q43.
Variant type: single nucleotide variant.
Coding change: c.5598A>G on transcript NM_001035.3 (MANE Select); coding-DNA position 5598, A replaced by G.
Protein change: p.Lys1866=; no amino-acid change (lysine 1866 retained).
Molecular consequence: synonymous variant.
Genome position (GRCh38, 1-based): chr1:237,614,726, A>G. VCF-style: chr1-237614726-A-G. GRCh37 (hg19) VCF-style: chr1-237778026-A-G.
Identifiers: ClinVar variation 731942 (VCV000731942.16), dbSNP rs1573126569, ClinGen allele CA424031422.